The following is an entry in ClinVar:

NM_004655.4(AXIN2):c.2158C>T (p.Gln720Ter)

Gene: AXIN2 (axin 2; minus strand). Cytogenetic location: 17q24.1.
Variant type: single nucleotide variant.
Coding change: c.2158C>T on transcript NM_004655.4 (MANE Select); coding-DNA position 2158, C replaced by T.
Protein change: p.Gln720Ter; replaces glutamine 720 with a stop codon.
Molecular consequence: nonsense.
Genome position (GRCh38, 1-based): chr17:65,535,705, G>A on the plus strand (C>T on the coding strand, the complement: AXIN2 is on the minus strand). VCF-style: chr17-65535705-G-A. GRCh37 (hg19) VCF-style: chr17-63531823-G-A.
Other names: c.1963C>T, p.Gln655Ter (NM_001363813.1); short protein forms Q655*, Q720*.
Identifiers: ClinVar variation 4733490 (VCV004733490.1).

ClinVar aggregate classification (germline): Pathogenic (1 of 4 stars; one submission).

Conditions:
Oligodontia-cancer predisposition syndrome. Also called: TOOTH AGENESIS-COLORECTAL CANCER SYNDROME. Identifiers: Orphanet 300576, MedGen C1837750, MONDO:0012075, OMIM 608615. Disease mechanism: loss of function.

Submission:

Labcorp Genetics (formerly Invitae), Labcorp
Classification: Pathogenic for Oligodontia-cancer predisposition syndrome. Last evaluated: 2025-12-17. Review status: criteria provided, single submitter. Criteria: Invitae Variant Classification Sherloc (09022015). Collection method: clinical testing. Allele origin: germline.
Comment: This sequence change creates a premature translational stop signal (p.Gln720*) in the AXIN2 gene. It is expected to result in an absent or disrupted protein product. Loss-of-function variants in AXIN2 are known to be pathogenic (PMID: 15042511, 21416598). This variant is not present in population databases (gnomAD no frequency). This variant has not been reported in the literature in individuals affected with AXIN2-related conditions. For these reasons, this variant has been classified as Pathogenic.

Literature cited by the submitters: PubMed 15042511; PubMed 21416598.